The following is an entry in ClinVar:

ClinVar aggregate classification (germline): Likely benign (0 of 4 stars; one submission).

Conditions:
EPHB2-related disorder. Also called: EPHB2-related condition.

gnomAD v4.1: 2 of 1,614,182 alleles (0.00012%); highest among the groups gnomAD compares: Non-Finnish European, 0.00017%; no homozygotes.

Submission:

PreventionGenetics, part of Exact Sciences
Classification: Likely benign for EPHB2-related condition. Last evaluated: 2021-04-05. Review status: no assertion criteria provided. Collection method: clinical testing. Allele origin: germline.
Comment: This variant is classified as likely benign based on ACMG/AMP sequence variant interpretation guidelines (Richards et al. 2015 PMID: 25741868, with internal and published modifications).

NM_017449.5(EPHB2):c.1749C>T (p.His583=)

Gene: EPHB2 (EPH receptor B2; plus strand). Cytogenetic location: 1p36.12.
Variant type: single nucleotide variant.
Coding change: c.1749C>T on transcript NM_017449.5 (MANE Select); coding-DNA position 1749, C replaced by T.
Protein change: p.His583=; no amino-acid change (histidine 583 retained).
Molecular consequence: synonymous variant. On other transcripts: intron variant (1).
Genome position (GRCh38, 1-based): chr1:22,896,462, C>T. VCF-style: chr1-22896462-C-T. GRCh37 (hg19) VCF-style: chr1-23222955-C-T.
Other names: c.1749C>T, p.His583= (NM_001309193.2); c.1752C>T, p.His584= (NM_004442.7); c.1591+3416C>T (NM_001309192.2).
Identifiers: ClinVar variation 3030087 (VCV003030087.2), dbSNP rs753914148, ClinGen allele CA678777.